The following is an entry in ClinVar:

ClinVar aggregate classification (germline): Uncertain significance (1 of 4 stars; one submission).

Conditions:
Familial intrahepatic cholestasis. Identifiers: Orphanet 284385, MedGen CN296401, MONDO:0017290.

Submission:

Genomenon, Inc
Classification: Uncertain significance for Familial intrahepatic cholestasis. Last evaluated: 2026-04-14. Review status: criteria provided, single submitter. Criteria: Genomenon Sequence Variant Interpretation Standards - Updated. Collection method: curation. Allele origin: germline. Affected: yes.
Comment: ABCB11 p.Met217Ile (c.651G>A) is a missense variant that changes the amino acid at residue 217 from Methionine to Isoleucine. This variant has been observed in at least one proband with an ABCB11-related disorder (PMID:29412511). It is absent or not present at a significant frequency in gnomAD. In silico models predict that this variant is possibly or probably damaging. In conclusion, we classify ABCB11 p.Met217Ile (c.651G>A) as a variant of uncertain significance.

Literature cited by the submitters: PubMed 29412511.

NM_003742.4(ABCB11):c.651G>A (p.Met217Ile)

Gene: ABCB11 (ATP binding cassette subfamily B member 11; minus strand). Cytogenetic location: 2q31.1.
Variant type: single nucleotide variant.
Coding change: c.651G>A on transcript NM_003742.4 (MANE Select); coding-DNA position 651, G replaced by A.
Protein change: p.Met217Ile; replaces methionine 217 with isoleucine.
Molecular consequence: missense variant.
Genome position (GRCh38, 1-based): chr2:168,993,843, C>T on the plus strand (G>A on the coding strand, the complement: ABCB11 is on the minus strand). VCF-style: chr2-168993843-C-T. GRCh37 (hg19) VCF-style: chr2-169850353-C-T.
Other names: short protein forms M217I.
Identifiers: ClinVar variation 4846100 (VCV004846100.1).